The following is an entry in ClinVar:

NM_014714.4(IFT140):c.1933A>G (p.Asn645Asp)

Gene: IFT140 (intraflagellar transport 140; minus strand). Cytogenetic location: 16p13.3.
Variant type: single nucleotide variant.
Coding change: c.1933A>G on transcript NM_014714.4 (MANE Select); coding-DNA position 1933, A replaced by G.
Protein change: p.Asn645Asp; replaces asparagine 645 with aspartic acid.
Molecular consequence: missense variant.
Genome position (GRCh38, 1-based): chr16:1,564,131, T>C on the plus strand (A>G on the coding strand, the complement: IFT140 is on the minus strand). VCF-style: chr16-1564131-T-C. GRCh37 (hg19) VCF-style: chr16-1614132-T-C.
Other names: short protein forms N645D.
Identifiers: ClinVar variation 753505 (VCV000753505.13), dbSNP rs540658203, ClinGen allele CA7814075.

ClinVar aggregate classification (germline): Benign/Likely benign. Review status: criteria provided, multiple submitters, no conflicts (2 of 4 stars). 5 submissions from 5 submitters: Benign (1); Likely benign (4). Last evaluated 2026-01-21.

Conditions:
Saldino-Mainzer syndrome (SRTD9). Also called: SHORT-RIB THORACIC DYSPLASIA 9 WITHOUT POLYDACTYLY; short-rib thoracic dysplasia 9 with or without polydactyly; Renal dysplasia, retinal pigmentary dystrophy, cerebellar ataxia and skeletal dysplasia; CONORENAL SYNDROME. Identifiers: Orphanet 140969, MedGen C1849437, MONDO:0009964, OMIM 266920.
IFT140-related disorder. Also called: IFT140-related condition.
Retinitis pigmentosa 80 (RP80). Identifiers: MedGen C4540439, MONDO:0054708, OMIM 617781.
Inborn genetic diseases. Identifiers: MedGen C0950123, MeSH D030342.

Allele frequency attached by ClinVar (database versions not stated): gnomAD exomes 0.00016 and 0.00032; 1000 Genomes Project 0.00020; ExAC 0.00036; gnomAD below 0.00001 and 0.00007; TOPMed below 0.00001; 1000 Genomes Project 30x 0.00016.
gnomAD v4.1: 235 of 1,586,256 alleles (0.015%); highest among the groups gnomAD compares: South Asian, 0.25%; 7 homozygotes.

Submissions (5):

Labcorp Genetics (formerly Invitae), Labcorp
Classification: Benign for Saldino-Mainzer syndrome. Last evaluated: 2026-01-21. Review status: criteria provided, single submitter. Criteria: Invitae Variant Classification Sherloc (09022015). Collection method: clinical testing. Allele origin: germline.

Ambry Genetics
Classification: Likely benign for Inborn genetic diseases. Last evaluated: 2025-05-18. Review status: criteria provided, single submitter. Criteria: Ambry Variant Classification Scheme 2023. Collection method: clinical testing. Allele origin: germline.

PreventionGenetics, part of Exact Sciences
Classification: Likely benign for IFT140-related condition. Last evaluated: 2024-12-30. Review status: criteria provided, single submitter. Criteria: ACMG Guidelines, 2015. Collection method: clinical testing. Allele origin: germline.
Comment: This variant is classified as likely benign based on ACMG/AMP sequence variant interpretation guidelines (Richards et al. 2015 PMID: 25741868, with internal and published modifications).

Blueprint Genetics
Classification: Likely benign. Last evaluated: 2024-07-17. Review status: criteria provided, single submitter. Criteria: ACMG Guidelines, 2015. Collection method: clinical testing. Allele origin: germline.

Fulgent Genetics
Classification: Likely benign for Saldino-Mainzer syndrome; Retinitis pigmentosa 80. Last evaluated: 2021-09-27. Review status: criteria provided, single submitter. Criteria: ACMG Guidelines, 2015. Collection method: clinical testing. Allele origin: unknown.